The following is an entry in ClinVar:

ClinVar aggregate classification (germline): Uncertain significance (1 of 4 stars; one submission).

Allele frequency attached by ClinVar (database versions not stated): gnomAD exomes below 0.00001; TOPMed 0.00001; gnomAD 0.00002.
gnomAD v4.1: 7 of 1,612,760 alleles (0.00043%); highest among the groups gnomAD compares: Non-Finnish European, 0.00059%; no homozygotes.

Submission:

Labcorp Genetics (formerly Invitae), Labcorp
Classification: Uncertain significance. Last evaluated: 2023-11-21. Review status: criteria provided, single submitter. Criteria: Invitae Variant Classification Sherloc (09022015). Collection method: clinical testing. Allele origin: germline.
Comment: This sequence change replaces leucine, which is neutral and non-polar, with proline, which is neutral and non-polar, at codon 921 of the CDH23 protein (p.Leu921Pro). This variant is present in population databases (no rsID available, gnomAD 0.0009%). This variant has not been reported in the literature in individuals affected with CDH23-related conditions. Advanced modeling of protein sequence and biophysical properties (such as structural, functional, and spatial information, amino acid conservation, physicochemical variation, residue mobility, and thermodynamic stability) performed at Invitae indicates that this missense variant is not expected to disrupt CDH23 protein function with a negative predictive value of 95%. In summary, the available evidence is currently insufficient to determine the role of this variant in disease. Therefore, it has been classified as a Variant of Uncertain Significance.

NM_022124.6(CDH23):c.2762T>C (p.Leu921Pro)

Gene: CDH23 (cadherin related 23; plus strand). Cytogenetic location: 10q22.1.
Variant type: single nucleotide variant.
Coding change: c.2762T>C on transcript NM_022124.6 (MANE Select); coding-DNA position 2762, T replaced by C.
Protein change: p.Leu921Pro; replaces leucine 921 with proline.
Molecular consequence: missense variant.
Genome position (GRCh38, 1-based): chr10:71,704,939, T>C. VCF-style: chr10-71704939-T-C. GRCh37 (hg19) VCF-style: chr10-73464696-T-C.
Other names: c.2762T>C, p.Leu921Pro (NM_001171930.2, NM_001171931.2); short protein forms L921P.
Identifiers: ClinVar variation 2904937 (VCV002904937.2), dbSNP rs1488213305, ClinGen allele CA377139486.
Genomic context (GRCh38, chr10:71,704,939, plus strand): 5'-CCCACCCTCATGCTGCCCCTCCTTGCCCTCAGGTGGTGGCCATCGACCTCGATGAGGGCC[T>C]GAACGGCCTGGTGTCCTACCGCATGCCGGTGGGCATGCCCCGCATGGACTTCCTCATCAA-3'
Protein context (NP_071407.4, residues 911-931): QVVAIDLDEG[Leu921Pro]NGLVSYRMPV